The following is an entry in ClinVar:

ClinVar aggregate classification (germline): Uncertain significance (1 of 4 stars; one submission).

Conditions:
Hereditary cancer-predisposing syndrome. Also called: Neoplastic Syndromes, Hereditary; Tumor predisposition; Hereditary neoplastic syndrome; Hereditary Cancer Syndrome. Identifiers: Orphanet 140162, MedGen C0027672, MeSH D009386, MONDO:0015356.

gnomAD v4.1: 4 of 1,610,026 alleles (0.00025%); highest among the groups gnomAD compares: Non-Finnish European, 0.00034%; no homozygotes.

Submission:

Ambry Genetics
Classification: Uncertain significance for Hereditary cancer-predisposing syndrome. Last evaluated: 2025-08-08. Review status: criteria provided, single submitter. Criteria: Ambry Variant Classification Scheme 2023. Collection method: clinical testing. Allele origin: germline.
Comment: The p.F2140S variant (also known as c.6419T>C), located in coding exon 43 of the ATM gene, results from a T to C substitution at nucleotide position 6419. The phenylalanine at codon 2140 is replaced by serine, an amino acid with highly dissimilar properties. This amino acid position is highly conserved in available vertebrate species. In addition, this alteration is predicted to be deleterious by in silico analysis. Based on the available evidence, the clinical significance of this variant remains unclear.

NM_000051.4(ATM):c.6419T>C (p.Phe2140Ser)

Genes: ATM (ATM serine/threonine kinase; plus strand), C11orf65 (chromosome 11 open reading frame 65; minus strand). Cytogenetic location: 11q22.3.
Variant type: single nucleotide variant.
Coding change: c.6419T>C on transcript NM_000051.4 (MANE Select); coding-DNA position 6419, T replaced by C.
Protein change: p.Phe2140Ser; replaces phenylalanine 2140 with serine.
Molecular consequence: missense variant. On other transcripts: intron variant (2).
Genome position (GRCh38, 1-based): chr11:108,320,025, T>C. VCF-style: chr11-108320025-T-C. GRCh37 (hg19) VCF-style: chr11-108190752-T-C.
Other names: c.6419T>C, p.Phe2140Ser (NM_001351834.2); c.641-10954A>G (NM_001330368.2); c.*39-10954A>G (NM_001351110.2); short protein forms F2140S.
Identifiers: ClinVar variation 4169638 (VCV004169638.1).